The following is an entry in ClinVar:

NM_006033.4(LIPG):c.252A>C (p.Lys84Asn)

Gene: LIPG (lipase G, endothelial type; plus strand). Cytogenetic location: 18q21.1.
Variant type: single nucleotide variant.
Coding change: c.252A>C on transcript NM_006033.4 (MANE Select); coding-DNA position 252, A replaced by C.
Protein change: p.Lys84Asn; replaces lysine 84 with asparagine.
Molecular consequence: missense variant.
Genome position (GRCh38, 1-based): chr18:49,565,471, A>C. VCF-style: chr18-49565471-A-C. GRCh37 (hg19) VCF-style: chr18-47091841-A-C.
Other names: c.252A>C, p.Lys84Asn (NM_001308006.2); short protein forms K84N.
Identifiers: ClinVar variation 4772822 (VCV004772822.1).

ClinVar aggregate classification (germline): Uncertain significance (1 of 4 stars; one submission).

gnomAD v4.1: 2 of 1,614,116 alleles (0.00012%); highest among the groups gnomAD compares: Non-Finnish European, 0.00017%; no homozygotes.

Submission:

Labcorp Genetics (formerly Invitae), Labcorp
Classification: Uncertain significance. Last evaluated: 2025-09-13. Review status: criteria provided, single submitter. Criteria: Invitae Variant Classification Sherloc (09022015). Collection method: clinical testing. Allele origin: germline.
Comment: This sequence change replaces lysine, which is basic and polar, with asparagine, which is neutral and polar, at codon 84 of the LIPG protein (p.Lys84Asn). This variant is not present in population databases (gnomAD no frequency). This variant has not been reported in the literature in individuals affected with LIPG-related conditions. An algorithm developed to predict the effect of missense changes on protein structure and function (PolyPhen-2) suggests that this variant is likely to be disruptive. In summary, the available evidence is currently insufficient to determine the role of this variant in disease. Therefore, it has been classified as a Variant of Uncertain Significance.